The following is an entry in ClinVar:

NC_000021.9:g.45405463C>T

Genes: BNAT1 (breast cancer associated ESR1 regulating natural antisense transcript 1; minus strand), COL18A1 (collagen type XVIII alpha 1 chain; plus strand). Cytogenetic location: 21q22.3.
Variant type: single nucleotide variant.
Genome position: GRCh38 VCF-style: chr21-45405463-C-T. GRCh37 (hg19) VCF-style: chr21-46825378-C-T.
Other names: NM_130445.2:c.96C>T; NM_130445.3:c.96C>T.
Identifiers: ClinVar variation 896440 (VCV000896440.14), dbSNP rs772492972, ClinGen allele CA10065185.

ClinVar aggregate classification (germline): Conflicting classifications of pathogenicity. Review status: criteria provided, conflicting classifications (1 of 4 stars). 4 submissions from 4 submitters: Uncertain significance (1); Likely benign (2). 1 of the submissions does not count toward it. Last evaluated 2026-01-11.

Conditions:
COL18A1-related disorder. Also called: COL18A1-related disorders; COL18A1-related condition.
Knobloch syndrome (KNO). Also called: RETINAL DETACHMENT AND OCCIPITAL ENCEPHALOCELE; Myopia retinal detachment encephalocele. Identifiers: Orphanet 1571, MedGen C1849409, MONDO:0800166.

Allele frequency attached by ClinVar (database versions not stated): gnomAD exomes 0.00011 and 0.00041; gnomAD 0.00019 and 0.00020; TOPMed 0.00023; 1000 Genomes Project 30x 0.00031; ExAC 0.00063.
gnomAD v4.1: 165 of 1,376,950 alleles (0.012%); highest among the groups gnomAD compares: Admixed American, 0.088%; no homozygotes.

Submissions (4):

Labcorp Genetics (formerly Invitae), Labcorp
Classification: Likely benign. Last evaluated: 2026-01-11. Review status: criteria provided, single submitter. Criteria: Invitae Variant Classification Sherloc (09022015). Collection method: clinical testing. Allele origin: germline.

Blueprint Genetics
Classification: Likely benign. Last evaluated: 2024-10-09. Review status: criteria provided, single submitter. Criteria: ACMG Guidelines, 2015. Collection method: clinical testing. Allele origin: germline.

Illumina Laboratory Services, Illumina
Classification: Uncertain significance for Knobloch syndrome 1. Last evaluated: 2018-01-13. Review status: criteria provided, single submitter. Criteria: ICSL Variant Classification Criteria 13 December 2019. Collection method: clinical testing. Allele origin: germline.

PreventionGenetics, part of Exact Sciences
Classification: Likely benign for COL18A1-related condition. Last evaluated: 2024-05-15. Review status: no assertion criteria provided. Collection method: clinical testing. Allele origin: germline. Not counted in ClinVar's aggregate classification.
Comment: This variant is classified as likely benign based on ACMG/AMP sequence variant interpretation guidelines (Richards et al. 2015 PMID: 25741868, with internal and published modifications).